The following is an entry in ClinVar:

NM_005584.5(MAB21L1):c.728T>C (p.Met243Thr)

Genes: MAB21L1 (mab-21 like 1; minus strand), NBEA (neurobeachin; plus strand). Cytogenetic location: 13q13.3.
Variant type: single nucleotide variant.
Coding change: c.728T>C on transcript NM_005584.5 (MANE Select); coding-DNA position 728, T replaced by C.
Protein change: p.Met243Thr; replaces methionine 243 with threonine.
Molecular consequence: missense variant. On other transcripts: intron variant (3).
Genome position (GRCh38, 1-based): chr13:35,475,411, A>G on the plus strand (T>C on the coding strand, the complement: MAB21L1 is on the minus strand). VCF-style: chr13-35475411-A-G. GRCh37 (hg19) VCF-style: chr13-36049548-A-G.
Other names: c.6585+2875A>G (NM_001385012.1, NM_015678.5); c.6576+2875A>G (NM_001379245.1); short protein forms M243T.
Identifiers: ClinVar variation 2643760 (VCV002643760.24), dbSNP rs535048596, ClinGen allele CA387985663.

ClinVar aggregate classification (germline): Uncertain significance (1 of 4 stars; one submission).

Allele frequency attached by ClinVar (database versions not stated): TOPMed below 0.00001; gnomAD exomes 0.00001.
gnomAD v4.1: 7 of 1,613,468 alleles (0.00043%); highest among the groups gnomAD compares: South Asian, 0.0033%; no homozygotes.

Submission:

CeGaT Center for Human Genetics Tuebingen
Classification: Uncertain significance. Last evaluated: 2023-08-01. Review status: criteria provided, single submitter. Criteria: CeGaT Center For Human Genetics Tuebingen Variant Classification Criteria Version 2. Collection method: clinical testing. Allele origin: germline. Affected: yes. Observed: 1 variant allele.
Comment: MAB21L1: PM2, BP4